The following is an entry in ClinVar:

ClinVar aggregate classification (germline): Likely benign (1 of 4 stars; one submission).

Conditions:
Oligodontia-cancer predisposition syndrome. Also called: TOOTH AGENESIS-COLORECTAL CANCER SYNDROME. Identifiers: Orphanet 300576, MedGen C1837750, MONDO:0012075, OMIM 608615. Disease mechanism: loss of function.

gnomAD v4.1: 1 of 1,610,380 alleles (0.000062%); no homozygotes.

Submission:

Myriad Genetics, Inc.
Classification: Likely benign for Oligodontia-cancer predisposition syndrome. Last evaluated: 2024-07-09. Review status: criteria provided, single submitter. Criteria: Myriad Autosomal Dominant, Autosomal Recessive and X-Linked Classification Criteria (2023). Collection method: clinical testing. Allele origin: unknown.
Comment: This variant is considered likely benign. This variant is intronic and is not expected to impact mRNA splicing.

NM_004655.4(AXIN2):c.2142-17C>T

Gene: AXIN2 (axin 2; minus strand). Cytogenetic location: 17q24.1.
Variant type: single nucleotide variant.
Coding change: c.2142-17C>T on transcript NM_004655.4 (MANE Select); 17 bases into the intron before coding-DNA position 2142, C replaced by T.
Molecular consequence: intron variant.
Genome position (GRCh38, 1-based): chr17:65,535,738, G>A on the plus strand (C>T on the coding strand, the complement: AXIN2 is on the minus strand). VCF-style: chr17-65535738-G-A. GRCh37 (hg19) VCF-style: chr17-63531856-G-A.
Other names: c.1947-17C>T (NM_001363813.1).
Identifiers: ClinVar variation 3378971 (VCV003378971.1).
Genomic context (GRCh38, chr17:65,535,738, plus strand): 5'-TGGCCGAATGATTCCTGTCCCTCTGCTGACTGGCCACACAGCACCTGAGGACACAGCCAG[G>A]GCGAGGGATTTAGAGGTACACTGTTGTCCCCAGAGCAATTGAAAAGCAGACAGAAAATTA-3'